The following is an entry in ClinVar:

ClinVar aggregate classification (germline): Uncertain significance (1 of 4 stars; one submission).

Conditions:
Cholestanol storage disease (CTX). Also called: CEREBRAL CHOLESTERINOSIS; Cerebrotendinous Xanthomatosis; CTX: Cerebrotendinous xanthomatosis. Identifiers: Orphanet 909, MedGen C0238052, MONDO:0008948, OMIM 213700.

gnomAD v4.1: 1 of 1,614,214 alleles (0.000062%); highest among the groups gnomAD compares: Non-Finnish European, 0.000085%; no homozygotes.

Submission:

Myriad Genetics, Inc.
Classification: Uncertain significance for Cholestanol storage disease. Last evaluated: 2026-06-02. Review status: criteria provided, single submitter. Criteria: Myriad Autosomal Dominant, Autosomal Recessive and X-Linked Classification Criteria (2023). Collection method: clinical testing. Allele origin: unknown.
Comment: NM_000784.3(CYP27A1):c.1184G>C(R395P) is a missense variant classified as a variant of uncertain significance in the context of cerebrotendinous xanthomatosis. R395P has not been observed in cases with relevant disease. Relevant functional assessments of this variant are not available in the literature. R395P has not been observed in referenced population frequency databases. In summary, there is insufficient evidence to classify NM_000784.3(CYP27A1):c.1184G>C(R395P) as pathogenic or benign. Please note: this variant was assessed in the context of healthy population screening.

NM_000784.4(CYP27A1):c.1184G>C (p.Arg395Pro)

Gene: CYP27A1 (cytochrome P450 family 27 subfamily A member 1; plus strand). Cytogenetic location: 2q35.
Variant type: single nucleotide variant.
Coding change: c.1184G>C on transcript NM_000784.4 (MANE Select); coding-DNA position 1184, G replaced by C.
Protein change: p.Arg395Pro; replaces arginine 395 with proline.
Molecular consequence: missense variant.
Genome position (GRCh38, 1-based): chr2:218,814,187, G>C. VCF-style: chr2-218814187-G-C. GRCh37 (hg19) VCF-style: chr2-219678910-G-C.
Other names: short protein forms R395P.
Identifiers: ClinVar variation 5004704 (VCV005004704.1).